The following is an entry in ClinVar:

NM_000088.4(COL1A1):c.2452-1G>C

Gene: COL1A1 (collagen type I alpha 1 chain; minus strand). Cytogenetic location: 17q21.33.
Variant type: single nucleotide variant.
Coding change: c.2452-1G>C on transcript NM_000088.4 (MANE Select); the canonical splice acceptor site of the intron before coding-DNA position 2452, G replaced by C.
Molecular consequence: splice acceptor variant.
Genome position (GRCh38, 1-based): chr17:50,190,109, C>G on the plus strand (G>C on the coding strand, the complement: COL1A1 is on the minus strand). VCF-style: chr17-50190109-C-G. GRCh37 (hg19) VCF-style: chr17-48267470-C-G.
Identifiers: ClinVar variation 658750 (VCV000658750.11), dbSNP rs72651667, ClinGen allele CA400207898.
Genomic context (GRCh38, chr17:50,190,109, plus strand): 5'-ATCGCCTTTAGCACCAGCATCACCAGGTTCGCCTTTAGCACCAGGTTGGCCGTCAGCACC[C>G]TGGGGGAGGAAGCAGGGCGGTGAATGGAGGGAAGGAGGCAGGAGTTTCCACTACCTGGGG-3'

ClinVar aggregate classification (germline): Pathogenic/Likely pathogenic. Review status: criteria provided, multiple submitters, no conflicts (2 of 4 stars). 3 submissions from 3 submitters: Pathogenic (2); Likely pathogenic (1). Last evaluated 2019-05-28.

Conditions:
Osteogenesis imperfecta type I (OI1). Also called: OI, TYPE I; OSTEOGENESIS IMPERFECTA TARDA; OSTEOGENESIS IMPERFECTA WITH BLUE SCLERAE; Osteogenesis imperfecta type 1; Lobstein disease; Lobstein's Disease. Identifiers: Orphanet 216796, Orphanet 666, MedGen C0023931, MONDO:0008146, OMIM 166200. Disease mechanism: loss of function.
COL1A1-related disorder. Also called: COL1A1- related disease; COL1A1-related condition.

Submissions (3):

Mendelics
Classification: Pathogenic for Osteogenesis imperfecta type I. Last evaluated: 2019-05-28. Review status: criteria provided, single submitter. Criteria: Mendelics Assertion Criteria 2017. Collection method: clinical testing. Allele origin: unknown.

Labcorp Genetics (formerly Invitae), Labcorp
Classification: Pathogenic for Osteogenesis imperfecta type I. Last evaluated: 2018-08-05. Review status: criteria provided, single submitter. Criteria: Invitae Variant Classification Sherloc (09022015). Collection method: clinical testing. Allele origin: germline.
Comment: This variant is not present in population databases (ExAC no frequency). This sequence change affects an acceptor splice site in intron 35 of the COL1A1 gene. It is expected to disrupt RNA splicing and likely results in an absent or disrupted protein product. Disruption of this splice site has been observed in individuals affected with osteogenesis imperfecta, type 1 (PMID: 15241796, 25324685, 16705691). Donor and acceptor splice site variants typically lead to a loss of protein function (PMID: 16199547), and loss-of-function variants in COL1A1 are known to be pathogenic (PMID: 7942841, 9295084, 9443882). For these reasons, this variant has been classified as Pathogenic.

Blueprint Genetics
Classification: Likely pathogenic for COL1A1-related disorders. Last evaluated: 2018-02-20. Review status: criteria provided, single submitter. Criteria: ACMG Guidelines, 2015. Collection method: clinical testing. Allele origin: germline. Affected: yes. Observed: 1 variant allele.

Literature cited by the submitters: PubMed 15241796 (cited by Labcorp Genetics (formerly Invitae), Labcorp); PubMed 25324685 (cited by Labcorp Genetics (formerly Invitae), Labcorp); PubMed 16705691 (cited by Labcorp Genetics (formerly Invitae), Labcorp); PubMed 16199547 (cited by Labcorp Genetics (formerly Invitae), Labcorp); PubMed 7942841 (cited by Labcorp Genetics (formerly Invitae), Labcorp); PubMed 9295084 (cited by Labcorp Genetics (formerly Invitae), Labcorp); PubMed 9443882 (cited by Labcorp Genetics (formerly Invitae), Labcorp).